The following is an entry in ClinVar:

NM_203447.4(DOCK8):c.2441-128C>T

Gene: DOCK8 (dedicator of cytokinesis 8; plus strand). Cytogenetic location: 9p24.3.
Variant type: single nucleotide variant.
Coding change: c.2441-128C>T on transcript NM_203447.4 (MANE Select); 128 bases into the intron before coding-DNA position 2441, C replaced by T.
Molecular consequence: intron variant.
Genome position (GRCh38, 1-based): chr9:379,643, C>T. VCF-style: chr9-379643-C-T. GRCh37 (hg19) VCF-style: chr9-379643-C-T.
Other names: c.2237-128C>T (NM_001193536.2, NM_001190458.2).
Identifiers: ClinVar variation 676835 (VCV000676835.4), dbSNP rs10814494, ClinGen allele CA13041930.

ClinVar aggregate classification (germline): Benign. Review status: criteria provided, multiple submitters, no conflicts (2 of 4 stars). 3 submissions from 3 submitters: Benign (3). Last evaluated 2023-11-12.

Allele frequency attached by ClinVar (database versions not stated): gnomAD exomes 0.27459; 1000 Genomes Project 0.28914; 1000 Genomes Project 30x 0.29482; gnomAD 0.30848 and 0.31418; TOPMed 0.31699.
gnomAD v4.1: 284,849 of 1,017,904 alleles (28%); highest among the groups gnomAD compares: African/African-American, 44%; 42,321 homozygotes.

Submissions (3):

Unidad de Genómica Garrahan, Hospital de Pediatría Garrahan
Classification: Benign. Last evaluated: 2023-11-12. Review status: criteria provided, single submitter. Criteria: ACMG Guidelines, 2015. Collection method: clinical testing. Allele origin: germline. Affected: no. Observed: 39 variant alleles.
Comment: This variant is classified as Benign based on local population frequency. This variant was detected in 41% of patients studied by a panel of primary immunodeficiencies. Number of patients: 39. Only high quality variants are reported.

GeneDx
Classification: Benign. Last evaluated: 2018-06-14. Review status: criteria provided, single submitter. Criteria: GeneDx Variant Classification (06012015). Collection method: clinical testing. Allele origin: germline. Affected: yes.
Comment: This variant is considered likely benign or benign based on one or more of the following criteria: it is a conservative change, it occurs at a poorly conserved position in the protein, it is predicted to be benign by multiple in silico algorithms, and/or has population frequency not consistent with disease.

Breakthrough Genomics
Classification: Benign. Review status: criteria provided, single submitter. Criteria: ACMG Guidelines, 2015. Collection method: not provided. Allele origin: germline. Inheritance: Autosomal recessive inheritance. Affected: yes.